The following is an entry in ClinVar:

ClinVar aggregate classification (germline): Uncertain significance (1 of 4 stars; one submission).

Conditions:
Schneckenbecken dysplasia. Identifiers: Orphanet 3144, MedGen C0432194, MONDO:0010013, OMIM 269250.

Allele frequency attached by ClinVar (database versions not stated): gnomAD exomes below 0.00001; TOPMed 0.00002; ExAC 0.00003; gnomAD 0.00002.
gnomAD v4.1: 7 of 1,613,712 alleles (0.00043%); highest among the groups gnomAD compares: Admixed American, 0.0083%; no homozygotes.

Submission:

Labcorp Genetics (formerly Invitae), Labcorp
Classification: Uncertain significance for Schneckenbecken dysplasia. Last evaluated: 2024-12-02. Review status: criteria provided, single submitter. Criteria: Invitae Variant Classification Sherloc (09022015). Collection method: clinical testing. Allele origin: germline.
Comment: This sequence change replaces proline, which is neutral and non-polar, with histidine, which is basic and polar, at codon 70 of the SLC35D1 protein (p.Pro70His). This variant is present in population databases (rs766987054, gnomAD 0.01%). This variant has not been reported in the literature in individuals affected with SLC35D1-related conditions. ClinVar contains an entry for this variant (Variation ID: 2048933). Invitae Evidence Modeling of protein sequence and biophysical properties (such as structural, functional, and spatial information, amino acid conservation, physicochemical variation, residue mobility, and thermodynamic stability) indicates that this missense variant is not expected to disrupt SLC35D1 protein function with a negative predictive value of 80%. In summary, the available evidence is currently insufficient to determine the role of this variant in disease. Therefore, it has been classified as a Variant of Uncertain Significance.

NM_015139.3(SLC35D1):c.209C>A (p.Pro70His)

Gene: SLC35D1 (solute carrier family 35 member D1; minus strand). Cytogenetic location: 1p31.3.
Variant type: single nucleotide variant.
Coding change: c.209C>A on transcript NM_015139.3 (MANE Select); coding-DNA position 209, C replaced by A.
Protein change: p.Pro70His; replaces proline 70 with histidine.
Molecular consequence: missense variant.
Genome position (GRCh38, 1-based): chr1:67,052,984, G>T on the plus strand (C>A on the coding strand, the complement: SLC35D1 is on the minus strand). VCF-style: chr1-67052984-G-T. GRCh37 (hg19) VCF-style: chr1-67518667-G-T.
Other names: short protein forms P70H.
Identifiers: ClinVar variation 2048933 (VCV002048933.4), dbSNP rs766987054, ClinGen allele CA899126.